The following is an entry in ClinVar:

NM_000138.5(FBN1):c.5066-14dup

Gene: FBN1 (fibrillin 1; minus strand). Cytogenetic location: 15q21.1.
Variant type: Duplication.
Coding change: c.5066-14dup on transcript NM_000138.5 (MANE Select); 14 bases into the intron before coding-DNA position 5066, one base duplicated (T; older notation c.5066-14dupT).
Molecular consequence: intron variant.
Genome position (GRCh38, 1-based): chr15:48,463,254, A duplicated on the plus strand (T on the coding strand, the reverse complement: FBN1 is on the minus strand); the first of 8 consecutive A bases (chr15:48,463,254-48,463,261); duplicating any one gives the same sequence. VCF-style (leftmost placement, unchanged base first): chr15-48463253-T-TA. GRCh37 (hg19) VCF-style: chr15-48755450-T-TA.
Other names: c.5066-14dupT (NM_000138.4).
Identifiers: ClinVar variation 178599 (VCV000178599.32), dbSNP rs3833018, ClinGen allele CA015577.
Genomic context (GRCh38, chr15:48,463,253, plus strand): 5'-TCTGGTTGTCAGCATAGTAGTTTCTGTAGCACAAACTTCTTCTCATATCTAGAAGGGAGG[T>TA]AAAAAAAAGGATTGGAGGGTTGGTGATGCCATGTGGGAAATCACAACAAATTTCTAAGTG-3'

ClinVar aggregate classification (germline): Benign/Likely benign. Review status: criteria provided, multiple submitters, no conflicts (2 of 4 stars). 9 submissions from 9 submitters: Benign (5); Likely benign (1). 3 of the submissions do not count toward it. Last evaluated 2026-02-04.

Conditions:
Marfan syndrome (MFS). Also called: Marfan syndrome, classic; FBN1-Related Marfan Syndrome; Marfan syndrome type 1; Marfan's syndrome; MARFAN SYNDROME, TYPE I. Identifiers: Orphanet 284963, Orphanet 558, MedGen C0024796, MONDO:0007947, OMIM 154700.
Familial thoracic aortic aneurysm and aortic dissection (TAAD). Also called: Thoracic aortic aneurysms and dissections. Identifiers: Orphanet 91387, MedGen C4707243, MONDO:0019625.

Submissions (9):

Labcorp Genetics (formerly Invitae), Labcorp
Classification: Benign for Marfan syndrome; Familial thoracic aortic aneurysm and aortic dissection. Last evaluated: 2026-02-04. Review status: criteria provided, single submitter. Criteria: Invitae Variant Classification Sherloc (09022015). Collection method: clinical testing. Allele origin: germline.

Blueprint Genetics
Classification: Likely benign. Last evaluated: 2024-11-26. Review status: criteria provided, single submitter. Criteria: ACMG Guidelines, 2015. Collection method: clinical testing. Allele origin: germline.

ARUP Laboratories, Molecular Genetics and Genomics, ARUP Laboratories
Classification: Benign. Last evaluated: 2021-11-16. Review status: criteria provided, single submitter. Criteria: ARUP Molecular Germline Variant Investigation Process 2021. Collection method: clinical testing. Allele origin: germline.

GeneDx
Classification: Benign. Last evaluated: 2018-05-30. Review status: criteria provided, single submitter. Criteria: GeneDx Variant Classification Process June 2021. Collection method: clinical testing. Allele origin: germline. Affected: yes.

Color Diagnostics, LLC DBA Color Health
Classification: Benign for Familial thoracic aortic aneurysm and aortic dissection. Last evaluated: 2018-04-08. Review status: criteria provided, single submitter. Criteria: ACMG Guidelines, 2015. Collection method: clinical testing. Allele origin: germline.

PreventionGenetics, part of Exact Sciences
Classification: Benign. Review status: criteria provided, single submitter. Criteria: ACMG Guidelines, 2015. Collection method: clinical testing. Allele origin: germline.

Laboratory for Molecular Medicine, Mass General Brigham Personalized Medicine
No classification provided. Last evaluated: 2014-06-05. Review status: no classification provided. Collection method: clinical testing. Allele origin: germline. Observed: 6 variant alleles. Not counted in ClinVar's aggregate classification.
Comment: 5066-14_5066-13insT in intron 40 of FBN1: This variant is not expected to have clinical significance because it has been identified in 1% (85/8254) of European American chromosomes and 2.89% (123/4264) of African American chromosomes by the NHLBI Exome Sequencing Project, and it is not located within the splice consensus sequence. (dbSNP rs3833018).

Genome Diagnostics Laboratory, Amsterdam University Medical Center
Classification: Benign. Review status: no assertion criteria provided. Collection method: clinical testing. Allele origin: germline. Affected: yes. Study: VKGL Data-share Consensus. Not counted in ClinVar's aggregate classification.

Genome Diagnostics Laboratory, University Medical Center Utrecht
Classification: Benign. Review status: no assertion criteria provided. Collection method: clinical testing. Allele origin: germline. Affected: yes. Study: VKGL Data-share Consensus. Not counted in ClinVar's aggregate classification.